The following is an entry in ClinVar:

ClinVar aggregate classification (germline): Uncertain significance (1 of 4 stars; one submission).

Conditions:
Duchenne muscular dystrophy (DMD). Also called: MUSCULAR DYSTROPHY, PSEUDOHYPERTROPHIC PROGRESSIVE, DUCHENNE TYPE; Duchenne Muscular Dystrophy (DMD). Identifiers: Orphanet 98896, MedGen C0013264, MONDO:0010679, OMIM 310200.

Allele frequency attached by ClinVar (database versions not stated): gnomAD exomes below 0.00001.
gnomAD v4.1: 2 of 1,209,760 alleles (0.00017%); highest among the groups gnomAD compares: Non-Finnish European, 0.00022%; no homozygotes.

Submission:

Labcorp Genetics (formerly Invitae), Labcorp
Classification: Uncertain significance for Duchenne muscular dystrophy. Last evaluated: 2025-10-02. Review status: criteria provided, single submitter. Criteria: Invitae Variant Classification Sherloc (09022015). Collection method: clinical testing. Allele origin: germline.
Comment: This sequence change replaces glutamic acid, which is acidic and polar, with glutamine, which is neutral and polar, at codon 2504 of the DMD protein (p.Glu2504Gln). This variant is not present in population databases (gnomAD no frequency). This variant has not been reported in the literature in individuals affected with DMD-related conditions. ClinVar contains an entry for this variant (Variation ID: 1988464). Invitae Evidence Modeling of protein sequence and biophysical properties (such as structural, functional, and spatial information, amino acid conservation, physicochemical variation, residue mobility, and thermodynamic stability) indicates that this missense variant is not expected to disrupt DMD protein function with a negative predictive value of 95%. In summary, the available evidence is currently insufficient to determine the role of this variant in disease. Therefore, it has been classified as a Variant of Uncertain Significance.

NM_004006.3(DMD):c.7510G>C (p.Glu2504Gln)

Gene: DMD (dystrophin; minus strand). Cytogenetic location: Xp21.1.
Variant type: single nucleotide variant.
Coding change: c.7510G>C on transcript NM_004006.3 (MANE Select); coding-DNA position 7510, G replaced by C.
Protein change: p.Glu2504Gln; replaces glutamic acid 2504 with glutamine.
Molecular consequence: missense variant.
Genome position (GRCh38, 1-based): chrX:31,773,992, C>G on the plus strand (G>C on the coding strand, the complement: DMD is on the minus strand). VCF-style: chrX-31773992-C-G. GRCh37 (hg19) VCF-style: chrX-31792109-C-G.
Other names: c.7486G>C, p.Glu2496Gln (NM_000109.4); c.7498G>C, p.Glu2500Gln (NM_004009.3); c.7141G>C, p.Glu2381Gln (NM_004010.3); c.3487G>C, p.Glu1163Gln (NM_004011.4); c.3478G>C, p.Glu1160Gln (NM_004012.4); c.130G>C, p.Glu44Gln (NM_004013.3, NM_004020.4, NM_004021.3 and 2 more transcripts); short protein forms E2381Q, E2496Q, E2500Q, E2504Q, E1163Q, E1160Q, E44Q.
Identifiers: ClinVar variation 1988464 (VCV001988464.2), dbSNP rs2149244602, ClinGen allele CA412658728.